The following is an entry in ClinVar:

ClinVar aggregate classification (germline): Uncertain significance (1 of 4 stars; one submission).

Allele frequency attached by ClinVar (database versions not stated): ExAC 0.00001; gnomAD exomes 0.00001; gnomAD 0.00003; ESP Exome Variant Server 0.00008.
gnomAD v4.1: 14 of 1,613,702 alleles (0.00087%); highest among the groups gnomAD compares: Middle Eastern, 0.016%; no homozygotes.

Submission:

Labcorp Genetics (formerly Invitae), Labcorp
Classification: Uncertain significance. Last evaluated: 2022-03-04. Review status: criteria provided, single submitter. Criteria: Invitae Variant Classification Sherloc (09022015). Collection method: clinical testing. Allele origin: germline.
Comment: This sequence change replaces arginine, which is basic and polar, with histidine, which is basic and polar, at codon 222 of the EIF2AK3 protein (p.Arg222His). This variant is present in population databases (rs144117387, gnomAD 0.007%). This variant has not been reported in the literature in individuals affected with EIF2AK3-related conditions. Algorithms developed to predict the effect of missense changes on protein structure and function are either unavailable or do not agree on the potential impact of this missense change (SIFT: "Deleterious"; PolyPhen-2: "Benign"; Align-GVGD: "Class C0"). In summary, the available evidence is currently insufficient to determine the role of this variant in disease. Therefore, it has been classified as a Variant of Uncertain Significance.

NM_004836.7(EIF2AK3):c.665G>A (p.Arg222His)

Gene: EIF2AK3 (eukaryotic translation initiation factor 2 alpha kinase 3; minus strand). Cytogenetic location: 2p11.2.
Variant type: single nucleotide variant.
Coding change: c.665G>A on transcript NM_004836.7 (MANE Select); coding-DNA position 665, G replaced by A.
Protein change: p.Arg222His; replaces arginine 222 with histidine.
Molecular consequence: missense variant.
Genome position (GRCh38, 1-based): chr2:88,593,374, C>T on the plus strand (G>A on the coding strand, the complement: EIF2AK3 is on the minus strand). VCF-style: chr2-88593374-C-T. GRCh37 (hg19) VCF-style: chr2-88892892-C-T.
Other names: c.212G>A, p.Arg71His (NM_001313915.2); short protein forms R222H, R71H.
Identifiers: ClinVar variation 1928394 (VCV001928394.2), dbSNP rs144117387, ClinGen allele CA1754869.
Genomic context (GRCh38, chr2:88,593,374, plus strand): 5'-TGGGTACGCTGTAGAAGCAGGATGTCTTCCTCTTGTTCCATTTCGTCACTATCCCATTGG[C>T]GACAACCCAGAGCTGAACAGATATACCTCACCTGAAAAGACAAAATTAGATACAAAATTA-3'
Protein context (NP_004827.4, residues 212-232): VRYICSALGC[Arg222His]QWDSDEMEQE